The following is an entry in ClinVar:

NM_007294.4(BRCA1):c.4860_4941del (p.Asp1621fs)

Gene: BRCA1 (BRCA1 DNA repair associated; minus strand). Cytogenetic location: 17q21.31.
Variant type: Deletion.
Coding change: c.4860_4941del on transcript NM_007294.4 (MANE Select); coding-DNA positions 4860 to 4941, 82 bases deleted.
Protein change: p.Asp1621fs; shifts the reading frame from aspartic acid 1621.
Molecular consequence: frameshift variant. On other transcripts: non-coding transcript variant (1).
Genome position (GRCh38, 1-based): chr17:43,070,973-43,071,054, 82 bases deleted. GRCh37 (hg19): chr17:41,222,992-41,223,073.
Other names: 4979_5060del82; c.1474_1555del82, p.Asp493Lysfs (NM_001408410.1); c.1471_1552del82, p.Asp492Lysfs (NM_001408411.1); c.1468_1549del82, p.Asp491Lysfs (NM_001408412.1, NM_001408413.1, NM_001408414.1 and 2 more transcripts); c.1432_1513del82, p.Asp479Lysfs (NM_001408418.1, NM_001408419.1, NM_001408420.1); c.1429_1510del82, p.Asp478Lysfs (NM_001408421.1, NM_001408422.1, NM_001408423.1 and 1 more transcripts); c.1426_1507del82, p.Asp477Lysfs (NM_001408425.1, NM_001408426.1, NM_001408427.1 and 4 more transcripts); c.1423_1504del82, p.Asp476Lysfs (NM_001408432.1, NM_001408433.1, NM_001408434.1 and 10 more transcripts); and 74 more; short protein forms D1621fs, D517fs, D1574fs, D1642fs.
Identifiers: ClinVar variation 266498 (VCV000266498.4), dbSNP rs1555580648, ClinGen allele CA10589635.

ClinVar aggregate classification (germline): Pathogenic (3 of 4 stars; one submission).

Conditions:
Breast-ovarian cancer, familial, susceptibility to, 1 (BROVCA1). Also called: BRCA1 Hereditary Breast and Ovarian Cancer; OVARIAN CANCER, SUSCEPTIBILITY TO. Identifiers: Orphanet 145, MedGen C2676676, MONDO:0011450, OMIM 604370. Disease mechanism: loss of function.

Submission:

Evidence-based Network for the Interpretation of Germline Mutant Alleles (ENIGMA)
Classification: Pathogenic for Breast-ovarian cancer, familial, susceptibility to, 1. Last evaluated: 2016-10-18. Review status: reviewed by expert panel. Criteria: ENIGMA BRCA1/2 Classification Criteria (2015). Collection method: curation. Allele origin: germline.
Comment: Variant allele predicted to encode a truncated non-functional protein.